The following is an entry in ClinVar:

ClinVar aggregate classification (germline): Likely benign (1 of 4 stars; one submission).

Allele frequency attached by ClinVar (database versions not stated): gnomAD 0.00005; gnomAD exomes 0.00006; TOPMed 0.00008.

Submission:

CeGaT Center for Human Genetics Tuebingen
Classification: Likely benign. Last evaluated: 2022-07-01. Review status: criteria provided, single submitter. Criteria: CeGaT Center For Human Genetics Tuebingen Variant Classification Criteria Version 2. Collection method: clinical testing. Allele origin: germline. Affected: yes. Observed: 1 variant allele.
Comment: PTPRQ: BP4

NM_001145026.2(PTPRQ):c.4168A>G (p.Met1390Val)

Gene: PTPRQ (protein tyrosine phosphatase receptor type Q; plus strand). Cytogenetic location: 12q21.31.
Variant type: single nucleotide variant.
Coding change: c.4168A>G on transcript NM_001145026.2 (MANE Select); coding-DNA position 4168, A replaced by G.
Protein change: p.Met1390Val; replaces methionine 1390 with valine.
Molecular consequence: missense variant.
Genome position (GRCh38, 1-based): chr12:80,549,617, A>G. VCF-style: chr12-80549617-A-G. GRCh37 (hg19) VCF-style: chr12-80943396-A-G.
Other names: short protein forms M1390V.
Identifiers: ClinVar variation 2643193 (VCV002643193.24), dbSNP rs757316770, ClinGen allele CA240263009.